The following is an entry in ClinVar:

ClinVar aggregate classification (germline): Conflicting classifications of pathogenicity. Review status: criteria provided, conflicting classifications (1 of 4 stars). 6 submissions from 4 submitters: Uncertain significance (3); Likely benign (2). 1 of the submissions does not count toward it. Last evaluated 2024-04-22.

Conditions:
Familial Mediterranean fever, autosomal dominant. Also called: Dominant Familial Mediterranean Fever; FMF, AUTOSOMAL DOMINANT. Identifiers: Orphanet 342, MedGen C1851347, MONDO:0007601, OMIM 134610.
Familial Mediterranean fever (FMF). Also called: POLYSEROSITIS, FAMILIAL PAROXYSMAL; POLYSEROSITIS, RECURRENT; Periodic peritonitis; Benign paroxysmal peritonitis. Identifiers: Orphanet 342, MedGen C0031069, MONDO:0018088, OMIM 249100. Disease mechanism: gain of function.
Acute febrile neutrophilic dermatosis (AFND). Also called: Sweet Syndrome; Gomm Button disease. Identifiers: Orphanet 3243, MedGen C0085077, MONDO:0011959, OMIM 608068.

Allele frequency attached by ClinVar (database versions not stated): gnomAD 0.00003; gnomAD exomes below 0.00001; TOPMed 0.00003.
gnomAD v4.1: 7 of 1,595,586 alleles (0.00044%); highest among the groups gnomAD compares: African/African-American, 0.0067%; no homozygotes.

Submissions (6):

Fulgent Genetics
Classification: Uncertain significance for Familial Mediterranean fever, autosomal dominant; Familial Mediterranean fever; Acute febrile neutrophilic dermatosis. Last evaluated: 2024-04-22. Review status: criteria provided, single submitter. Criteria: ACMG Guidelines, 2015. Collection method: clinical testing. Allele origin: germline.

Genome-Nilou Lab
Classification: Uncertain significance for Familial Mediterranean fever. Last evaluated: 2023-02-08. Review status: criteria provided, single submitter. Criteria: ACMG Guidelines, 2015. Collection method: clinical testing. Allele origin: germline.

Genome-Nilou Lab
Classification: Likely benign for Familial Mediterranean fever, autosomal dominant. Last evaluated: 2023-02-08. Review status: criteria provided, single submitter. Criteria: ACMG Guidelines, 2015. Collection method: clinical testing. Allele origin: germline.

Genome-Nilou Lab
Classification: Likely benign for Acute febrile neutrophilic dermatosis. Last evaluated: 2023-02-08. Review status: criteria provided, single submitter. Criteria: ACMG Guidelines, 2015. Collection method: clinical testing. Allele origin: germline.

Labcorp Genetics (formerly Invitae), Labcorp
Classification: Uncertain significance for Familial Mediterranean fever. Last evaluated: 2021-08-27. Review status: criteria provided, single submitter. Criteria: Invitae Variant Classification Sherloc (09022015). Collection method: clinical testing. Allele origin: germline.
Comment: This sequence change replaces serine with glycine at codon 159 of the MEFV protein (p.Ser159Gly). The serine residue is weakly conserved and there is a small physicochemical difference between serine and glycine. This variant is not present in population databases (ExAC no frequency). This variant has not been reported in the literature in individuals affected with MEFV-related conditions. Algorithms developed to predict the effect of missense changes on protein structure and function output the following: SIFT: "Tolerated"; PolyPhen-2: "Benign"; Align-GVGD: "Class C0". The glycine amino acid residue is found in multiple mammalian species, which suggests that this missense change does not adversely affect protein function. In summary, the available evidence is currently insufficient to determine the role of this variant in disease. Therefore, it has been classified as a Variant of Uncertain Significance.

Natera, Inc.
Classification: Uncertain significance for Familial Mediterranean fever. Last evaluated: 2021-04-20. Review status: no assertion criteria provided. Collection method: clinical testing. Allele origin: germline. Not counted in ClinVar's aggregate classification.

NM_000243.3(MEFV):c.475A>G (p.Ser159Gly)

Gene: MEFV (MEFV innate immunity regulator, pyrin; minus strand). Cytogenetic location: 16p13.3.
Variant type: single nucleotide variant.
Coding change: c.475A>G on transcript NM_000243.3 (MANE Select); coding-DNA position 475, A replaced by G.
Protein change: p.Ser159Gly; replaces serine 159 with glycine.
Molecular consequence: missense variant. On other transcripts: intron variant (1).
Genome position (GRCh38, 1-based): chr16:3,254,593, T>C on the plus strand (A>G on the coding strand, the complement: MEFV is on the minus strand). VCF-style: chr16-3254593-T-C. GRCh37 (hg19) VCF-style: chr16-3304593-T-C.
Other names: c.277+1718A>G (NM_001198536.2); short protein forms S159G.
Identifiers: ClinVar variation 1011684 (VCV001011684.12), dbSNP rs797001768, ClinGen allele CA276902835.
Genomic context (GRCh38, chr16:3,254,593, plus strand): 5'-TCCGGGTCCGAGGCTTGCCCTGCGCGTCCAGGCCCTCCGAGGCCTTCTCTCTGCGTTTGC[T>C]CAGGGGCTTCCTCGACAGCCCCCTCCCGGCCTCGGGCTGGCTGCACCGCAGGCTGGCAGC-3'
Protein context (NP_000234.1, residues 149-169): AGRGLSRKPL[Ser159Gly]KRREKASEGL